The following is an entry in ClinVar:

ClinVar aggregate classification (germline): Uncertain significance (1 of 4 stars; one submission).

Submission:

GeneDx
Classification: Uncertain significance. Last evaluated: 2022-12-23. Review status: criteria provided, single submitter. Criteria: GeneDx Variant Classification Process June 2021. Collection method: clinical testing. Allele origin: germline. Affected: yes.
Comment: Not observed at significant frequency in large population cohorts (gnomAD); In silico analysis supports that this missense variant has a deleterious effect on protein structure/function; Has not been previously published as pathogenic or benign to our knowledge

NM_020778.5(ALPK3):c.4687T>C (p.Trp1563Arg)

Gene: ALPK3 (alpha kinase 3; plus strand). Cytogenetic location: 15q25.3.
Variant type: single nucleotide variant.
Coding change: c.4687T>C on transcript NM_020778.5 (MANE Select); coding-DNA position 4687, T replaced by C.
Protein change: p.Trp1563Arg; replaces tryptophan 1563 with arginine.
Molecular consequence: missense variant.
Genome position (GRCh38, 1-based): chr15:84,864,629, T>C. VCF-style: chr15-84864629-T-C. GRCh37 (hg19) VCF-style: chr15-85407860-T-C.
Other names: short protein forms W1563R.
Identifiers: ClinVar variation 2506732 (VCV002506732.1), dbSNP rs2505729871, ClinGen allele CA393365309.